The following is an entry in ClinVar:

NM_003743.5(NCOA1):c.651T>G (p.Arg217=)

Gene: NCOA1 (nuclear receptor coactivator 1; plus strand). Cytogenetic location: 2p23.3.
Variant type: single nucleotide variant.
Coding change: c.651T>G on transcript NM_003743.5 (MANE Select); coding-DNA position 651, T replaced by G.
Protein change: p.Arg217=; no amino-acid change (arginine 217 retained).
Molecular consequence: synonymous variant.
Genome position (GRCh38, 1-based): chr2:24,691,599, T>G. VCF-style: chr2-24691599-T-G. GRCh37 (hg19) VCF-style: chr2-24914468-T-G.
Other names: c.651T>G, p.Arg217= (NM_001362950.1, NM_001362952.1, NM_001362954.1 and 3 more transcripts).
Identifiers: ClinVar variation 3352047 (VCV003352047.1).

ClinVar aggregate classification (germline): Likely benign (0 of 4 stars; one submission).

Conditions:
NCOA1-related disorder. Also called: NCOA1-related condition.

Submission:

PreventionGenetics, part of Exact Sciences
Classification: Likely benign for NCOA1-related condition. Last evaluated: 2024-01-19. Review status: no assertion criteria provided. Collection method: clinical testing. Allele origin: germline.
Comment: This variant is classified as likely benign based on ACMG/AMP sequence variant interpretation guidelines (Richards et al. 2015 PMID: 25741868, with internal and published modifications).